The following is an entry in ClinVar:

NM_001349206.2(LPIN1):c.2044G>A (p.Asp682Asn)

Gene: LPIN1 (lipin 1; plus strand). Cytogenetic location: 2p25.1.
Variant type: single nucleotide variant.
Coding change: c.2044G>A on transcript NM_001349206.2 (MANE Select); coding-DNA position 2044, G replaced by A.
Protein change: p.Asp682Asn; replaces aspartic acid 682 with asparagine.
Molecular consequence: missense variant. On other transcripts: non-coding transcript variant (1).
Genome position (GRCh38, 1-based): chr2:11,804,453, G>A. VCF-style: chr2-11804453-G-A. GRCh37 (hg19) VCF-style: chr2-11944579-G-A.
Other names: c.1954G>A, p.Asp652Asn (NM_001261427.3); c.2191G>A, p.Asp731Asn (NM_001261428.3); c.1936G>A, p.Asp646Asn (NM_001349199.2, NM_145693.4); c.2014G>A, p.Asp672Asn (NM_001349200.2, NM_001349201.2); c.2041G>A, p.Asp681Asn (NM_001349202.2, NM_001349203.2); c.2044G>A, p.Asp682Asn (NM_001349204.2, NM_001349205.2); c.2134G>A, p.Asp712Asn (NM_001349207.2); c.2083G>A, p.Asp695Asn (NM_001349208.2); short protein forms D672N, D681N, D695N, D712N, D731N, D652N, D682N, D646N.
Identifiers: ClinVar variation 2185550 (VCV002185550.4), dbSNP rs566760101, ClinGen allele CA1533977.
Genomic context (GRCh38, chr2:11,804,453, plus strand): 5'-AGACAAATACTAATGGTTCATGTTTTTCAGAAAAGCTTGAAGTTGAAGAATGGCCCCAAC[G>A]ACGTGGTTTTCAGTGTCACCACGCAGTACCAAGGCACGTGCCGCTGTGAGGGCACCATCT-3'
Protein context (NP_001336135.1, residues 672-692): KSLKLKNGPN[Asp682Asn]VVFSVTTQYQ

ClinVar aggregate classification (germline): Uncertain significance. Review status: criteria provided, multiple submitters, no conflicts (2 of 4 stars). 2 submissions from 2 submitters: Uncertain significance (2). Last evaluated 2024-03-07.

Conditions:
Myoglobinuria, acute recurrent, autosomal recessive. Also called: Myoglobinuria, recurrent, autosomal recessive; RHABDOMYOLYSIS, ACUTE RECURRENT; MYOGLOBINURIA, FAMILIAL PAROXYSMAL PARALYTIC. Identifiers: Orphanet 99845, MedGen C1849386, MONDO:0009992, OMIM 268200.

Allele frequency attached by ClinVar (database versions not stated): gnomAD exomes below 0.00001; ExAC 0.00001; gnomAD 0.00003; 1000 Genomes Project 30x 0.00016; 1000 Genomes Project 0.00020.
gnomAD v4.1: 13 of 1,614,208 alleles (0.00081%); highest among the groups gnomAD compares: South Asian, 0.0022%; no homozygotes.

Submissions (2):

Fulgent Genetics
Classification: Uncertain significance for Myoglobinuria, acute recurrent, autosomal recessive. Last evaluated: 2024-03-07. Review status: criteria provided, single submitter. Criteria: ACMG Guidelines, 2015. Collection method: clinical testing. Allele origin: germline.

Labcorp Genetics (formerly Invitae), Labcorp
Classification: Uncertain significance. Last evaluated: 2022-11-16. Review status: criteria provided, single submitter. Criteria: Invitae Variant Classification Sherloc (09022015). Collection method: clinical testing. Allele origin: germline.
Comment: This sequence change replaces aspartic acid, which is acidic and polar, with asparagine, which is neutral and polar, at codon 646 of the LPIN1 protein (p.Asp646Asn). This variant is present in population databases (rs566760101, gnomAD 0.003%). This variant has not been reported in the literature in individuals affected with LPIN1-related conditions. Advanced modeling of protein sequence and biophysical properties (such as structural, functional, and spatial information, amino acid conservation, physicochemical variation, residue mobility, and thermodynamic stability) performed at Invitae indicates that this missense variant is not expected to disrupt LPIN1 protein function. In summary, the available evidence is currently insufficient to determine the role of this variant in disease. Therefore, it has been classified as a Variant of Uncertain Significance.